The following is an entry in ClinVar:

ClinVar aggregate classification (germline): Benign (0 of 4 stars; one submission).

Conditions:
RXRB-related disorder. Also called: RXRB-related condition.

Allele frequency attached by ClinVar (database versions not stated): TOPMed 0.00063; ESP Exome Variant Server 0.00071; gnomAD 0.00157; gnomAD exomes 0.00218; ExAC 0.00481; 1000 Genomes Project 0.00659; 1000 Genomes Project 30x 0.00796.
gnomAD v4.1: 3,491 of 1,613,012 alleles (0.22%); highest among the groups gnomAD compares: South Asian, 3.3%; 81 homozygotes.

Submission:

PreventionGenetics, part of Exact Sciences
Classification: Benign for RXRB-related condition. Last evaluated: 2019-06-27. Review status: no assertion criteria provided. Collection method: clinical testing. Allele origin: germline.
Comment: This variant is classified as benign based on ACMG/AMP sequence variant interpretation guidelines (Richards et al. 2015 PMID: 25741868, with internal and published modifications).

NM_021976.5(RXRB):c.624C>T (p.Cys208=)

Gene: RXRB (retinoid X receptor beta; minus strand). Cytogenetic location: 6p21.32.
Variant type: single nucleotide variant.
Coding change: c.624C>T on transcript NM_021976.5 (MANE Select); coding-DNA position 624, C replaced by T.
Protein change: p.Cys208=; no amino-acid change (cysteine 208 retained).
Molecular consequence: synonymous variant.
Genome position (GRCh38, 1-based): chr6:33,198,324, G>A on the plus strand (C>T on the coding strand, the complement: RXRB is on the minus strand). VCF-style: chr6-33198324-G-A. GRCh37 (hg19) VCF-style: chr6-33166101-G-A.
Other names: c.624C>T, p.Cys208= (NM_001270401.2); c.54C>T, p.Cys18= (NM_001291989.2).
Identifiers: ClinVar variation 3042895 (VCV003042895.2), dbSNP rs61730281, ClinGen allele CA3752010.
Genomic context (GRCh38, chr6:33,198,324, plus strand): 5'-ATGGCCCAGACTCTCCCTCTCTGTTCATCCTCTGAGCCACATACCTGAGCTTCTGTCCCC[G>A]CAGATTGCACATAGCCGTTTGCCAGCCCCAGGGCCACCTGGAGGGGGTGGACAGTGCAGG-3'
Protein context (NP_068811.1, residues 198-218): PGAGKRLCAI[Cys208=]GDRSSGKHYG